The following is an entry in ClinVar:

ClinVar aggregate classification (germline): Likely benign. Review status: criteria provided, multiple submitters, no conflicts (2 of 4 stars). 4 submissions from 4 submitters: Likely benign (2). 2 of the submissions do not count toward it. Last evaluated 2025-12-19.

Conditions:
Intellectual disability. Also called: intellectual disabilities; Intellectual developmental disorder; Intellectual functioning disability. Identifiers: MedGen C3714756, MeSH D008607, MONDO:0001071, HP:0001249.

Allele frequency attached by ClinVar (database versions not stated): gnomAD 0.00004 and 0.00010; TOPMed 0.00004; gnomAD exomes 0.00018 and 0.00028; ExAC 0.00031.
gnomAD v4.1: 273 of 1,614,252 alleles (0.017%); highest among the groups gnomAD compares: South Asian, 0.25%; 4 homozygotes.

Submissions (4):

Labcorp Genetics (formerly Invitae), Labcorp
Classification: Likely benign. Last evaluated: 2025-12-19. Review status: criteria provided, single submitter. Criteria: Invitae Variant Classification Sherloc (09022015). Collection method: clinical testing. Allele origin: germline.

Blueprint Genetics
Classification: Likely benign. Last evaluated: 2024-11-23. Review status: criteria provided, single submitter. Criteria: ACMG Guidelines, 2015. Collection method: clinical testing. Allele origin: germline.

Centre de Biologie Pathologie Génétique, Centre Hospitalier Universitaire de Lille
Classification: Likely benign for Intellectual disability. Last evaluated: 2019-01-01. Review status: no assertion criteria provided. Collection method: clinical testing. Allele origin: inherited. Affected: yes. Not counted in ClinVar's aggregate classification.

ITMI
No classification provided. Condition: AllHighlyPenetrant. Last evaluated: 2013-09-19. Review status: no classification provided. Collection method: reference population. Allele origin: germline. Not counted in ClinVar's aggregate classification.
Comment: Please see associated publication for description of ethnicities

Literature cited by the submitters: PubMed 24728327 (cited by ITMI).

NM_015338.6(ASXL1):c.3503G>C (p.Ser1168Thr)

Gene: ASXL1 (ASXL transcriptional regulator 1; plus strand). Cytogenetic location: 20q11.21.
Variant type: single nucleotide variant.
Coding change: c.3503G>C on transcript NM_015338.6 (MANE Select); coding-DNA position 3503, G replaced by C.
Protein change: p.Ser1168Thr; replaces serine 1168 with threonine.
Molecular consequence: missense variant.
Genome position (GRCh38, 1-based): chr20:32,436,215, G>C. VCF-style: chr20-32436215-G-C. GRCh37 (hg19) VCF-style: chr20-31024018-G-C.
Other names: c.3320G>C, p.Ser1107Thr (NM_001363734.1); short protein forms S1168T, S1107T.
Identifiers: ClinVar variation 133596 (VCV000133596.12), dbSNP rs587778062, ClinGen allele CA157041.